The following is an entry in ClinVar:

NM_001376.5(DYNC1H1):c.10421G>A (p.Arg3474Gln)

Gene: DYNC1H1 (dynein cytoplasmic 1 heavy chain 1; plus strand). Cytogenetic location: 14q32.31.
Variant type: single nucleotide variant.
Coding change: c.10421G>A on transcript NM_001376.5 (MANE Select); coding-DNA position 10421, G replaced by A.
Protein change: p.Arg3474Gln; replaces arginine 3474 with glutamine.
Molecular consequence: missense variant.
Genome position (GRCh38, 1-based): chr14:102,033,983, G>A. VCF-style: chr14-102033983-G-A. GRCh37 (hg19) VCF-style: chr14-102500320-G-A.
Other names: short protein forms R3474Q.
Identifiers: ClinVar variation 1485678 (VCV001485678.7), dbSNP rs2152592111, ClinGen allele CA391025377.
Genomic context (GRCh38, chr14:102,033,983, plus strand): 5'-TATAAATCCTGAAAGGCCTCATCCCTGAGCATCTTGTTCGGTTTTCCTTTTAGGTAAACC[G>A]GAGCACTGCTCTTCTGAAGAGCTTGTCTGCTGAACGTGAACGATGGGAAAAAACAAGTGA-3'
Protein context (NP_001367.2, residues 3464-3484): DLAAVEAKVN[Arg3474Gln]STALLKSLSA

ClinVar aggregate classification (germline): Uncertain significance (1 of 4 stars; one submission).

Conditions:
Charcot-Marie-Tooth disease axonal type 2O. Also called: Charcot-Marie-Tooth disease, axonal, type 20; CHARCOT-MARIE-TOOTH NEUROPATHY, AXONAL, TYPE 2O; CHARCOT-MARIE-TOOTH DISEASE, AXONAL, AUTOSOMAL DOMINANT, TYPE 2O; Charcot-Marie-Tooth Neuropathy Type 2O. Identifiers: Orphanet 284232, MedGen C3280220, MONDO:0013644, OMIM 614228.

gnomAD v4.1: 1 of 1,613,876 alleles (0.000062%); no homozygotes.

Submissions (2):

Labcorp Genetics (formerly Invitae), Labcorp
Classification: Uncertain significance for Charcot-Marie-Tooth disease axonal type 2O. Last evaluated: 2023-10-10. Review status: criteria provided, single submitter. Criteria: Invitae Variant Classification Sherloc (09022015). Collection method: clinical testing. Allele origin: germline.
Comment: This sequence change replaces arginine, which is basic and polar, with glutamine, which is neutral and polar, at codon 3474 of the DYNC1H1 protein (p.Arg3474Gln). This variant is not present in population databases (gnomAD no frequency). This variant has not been reported in the literature in individuals affected with DYNC1H1-related conditions. ClinVar contains an entry for this variant (Variation ID: 1485678). Advanced modeling of protein sequence and biophysical properties (such as structural, functional, and spatial information, amino acid conservation, physicochemical variation, residue mobility, and thermodynamic stability) performed at Invitae indicates that this missense variant is expected to disrupt DYNC1H1 protein function. In summary, the available evidence is currently insufficient to determine the role of this variant in disease. Therefore, it has been classified as a Variant of Uncertain Significance.

Dr. Peter K. Rogan Lab, Western University
No classification provided (evidence only). Condition: Melanoma. Review status: no classification provided. Collection method: in vitro. Allele origin: not applicable. Functional consequence: retained intron. Not counted in ClinVar's aggregate classification.